The following is an entry in ClinVar:

ClinVar aggregate classification (germline): Pathogenic. Review status: criteria provided, multiple submitters, no conflicts (2 of 4 stars). 2 submissions from 2 submitters: Pathogenic (2). Last evaluated 2025-04-29.

Conditions:
Inborn genetic diseases. Identifiers: MedGen C0950123, MeSH D030342.
KBG syndrome (KBGS). Also called: ANKRD11-Related KBG Syndrome. Identifiers: Orphanet 2332, MedGen C0220687, MONDO:0007846, OMIM 148050.

Submissions (2):

Victorian Clinical Genetics Services, Murdoch Childrens Research Institute
Classification: Pathogenic for KBG syndrome. Last evaluated: 2025-04-29. Review status: criteria provided, single submitter. Criteria: ACMG Guidelines, 2015. Collection method: clinical testing. Allele origin: germline. Affected: yes.
Comment: This variant is classified as Pathogenic. Evidence in support of pathogenic classification: Variant is predicted to cause nonsense-mediated decay (NMD) and loss of protein (premature termination codon is located at least 54 nucleotides upstream of the final exon-exon junction); Variant is absent from gnomAD (v2, v3 and v4); Other NMD-predicted variants comparable to the one identified in this case have very strong previous evidence for pathogenicity (DECIPHER); Additional information: This variant is heterozygous; This gene is associated with autosomal dominant disease; Loss of function is a known mechanism of disease in this gene and is associated with KBG syndrome (MIM#148050); Variants in this gene are known to have variable expressivity. Intrafamilial variability is commonly reported (PMID: 29258554).

Ambry Genetics
Classification: Pathogenic for Inborn genetic diseases. Last evaluated: 2016-12-20. Review status: criteria provided, single submitter. Criteria: Ambry exome assertion method (8-5-2015). Collection method: clinical testing. Allele origin: germline. Affected: yes. Observed: 1 variant allele.

Literature cited by the submitters: PubMed 29258554 (cited by Victorian Clinical Genetics Services, Murdoch Childrens Research Institute); PubMed 25473036 (cited by Ambry Genetics); PubMed 27605097 (cited by Ambry Genetics); PubMed 27667800 (cited by Ambry Genetics).

NM_013275.6(ANKRD11):c.1389del (p.Gly464fs)

Gene: ANKRD11 (ankyrin repeat domain 11; minus strand). Cytogenetic location: 16q24.3.
Variant type: Deletion.
Coding change: c.1389del on transcript NM_013275.6 (MANE Select); coding-DNA position 1389, one base deleted (A; older notation c.1389delA).
Protein change: p.Gly464fs; shifts the reading frame from glycine 464.
Molecular consequence: frameshift variant.
Genome position (GRCh38, 1-based): chr16:89,285,153, T deleted on the plus strand (A on the coding strand, the reverse complement: ANKRD11 is on the minus strand); the first of 4 consecutive T bases (chr16:89,285,153-89,285,156); deleting any one gives the same sequence. VCF-style (leftmost placement, unchanged base first): chr16-89285152-CT-C. GRCh37 (hg19) VCF-style: chr16-89351560-CT-C.
Other names: c.1389del, p.Gly464fs (NM_001256182.2, NM_001256183.2); short protein forms G464fs.
Identifiers: ClinVar variation 521317 (VCV000521317.6), dbSNP rs1555529726, ClinGen allele CA658798668.